The following is an entry in ClinVar:

ClinVar aggregate classification (germline): Uncertain significance. Review status: criteria provided, multiple submitters, no conflicts (2 of 4 stars). 2 submissions from 2 submitters: Uncertain significance (2). Last evaluated 2026-02-06.

Conditions:
PEX12-related disorder. Also called: PEX12-related condition; PEX12-related disorders.
Peroxisome biogenesis disorder 3A (Zellweger). Also called: PEROXISOMAL BIOGENESIS DISORDER 3A (ZELLWEGER); Peroxisome biogenesis disorder 3A. Identifiers: Orphanet 912, MedGen C3553929, MONDO:0013927, OMIM 614859.

Allele frequency attached by ClinVar (database versions not stated): gnomAD exomes below 0.00001 and 0.00001; TOPMed below 0.00001; ExAC 0.00001.

Submissions (2):

PreventionGenetics, part of Exact Sciences
Classification: Uncertain significance for PEX12-related condition. Last evaluated: 2026-02-06. Review status: criteria provided, single submitter. Criteria: ACMG Guidelines, 2015. Collection method: clinical testing. Allele origin: germline.
Comment: The PEX12 c.601G>T variant is predicted to result in the amino acid substitution p.Gly201Cys. To our knowledge, this variant has not been reported in the literature. This variant is reported in 0.0058% of alleles in individuals of Latino descent in gnomAD. At this time, the clinical significance of this variant is uncertain due to the absence of conclusive functional and genetic evidence.

Labcorp Genetics (formerly Invitae), Labcorp
Classification: Uncertain significance for Peroxisome biogenesis disorder 3A (Zellweger). Last evaluated: 2022-10-13. Review status: criteria provided, single submitter. Criteria: Invitae Variant Classification Sherloc (09022015). Collection method: clinical testing. Allele origin: germline.
Comment: This sequence change replaces glycine, which is neutral and non-polar, with cysteine, which is neutral and slightly polar, at codon 201 of the PEX12 protein (p.Gly201Cys). This variant is present in population databases (rs767608984, gnomAD 0.006%). This variant has not been reported in the literature in individuals affected with PEX12-related conditions. ClinVar contains an entry for this variant (Variation ID: 1010795). Advanced modeling of protein sequence and biophysical properties (such as structural, functional, and spatial information, amino acid conservation, physicochemical variation, residue mobility, and thermodynamic stability) performed at Invitae indicates that this missense variant is not expected to disrupt PEX12 protein function. In summary, the available evidence is currently insufficient to determine the role of this variant in disease. Therefore, it has been classified as a Variant of Uncertain Significance.

NM_000286.3(PEX12):c.601G>T (p.Gly201Cys)

Gene: PEX12 (peroxisomal biogenesis factor 12; minus strand). Cytogenetic location: 17q12.
Variant type: single nucleotide variant.
Coding change: c.601G>T on transcript NM_000286.3 (MANE Select); coding-DNA position 601, G replaced by T.
Protein change: p.Gly201Cys; replaces glycine 201 with cysteine.
Molecular consequence: missense variant.
Genome position (GRCh38, 1-based): chr17:35,577,117, C>A on the plus strand (G>T on the coding strand, the complement: PEX12 is on the minus strand). VCF-style: chr17-35577117-C-A. GRCh37 (hg19) VCF-style: chr17-33904136-C-A.
Other names: c.601G>T (NM_000286.2); short protein forms G201C.
Identifiers: ClinVar variation 1010795 (VCV001010795.5), dbSNP rs767608984, ClinGen allele CA8504883.